The following is an entry in ClinVar:

NM_007255.3(B4GALT7):c.828+10G>A

Gene: B4GALT7 (beta-1,4-galactosyltransferase 7; plus strand). Cytogenetic location: 5q35.3.
Variant type: single nucleotide variant.
Coding change: c.828+10G>A on transcript NM_007255.3 (MANE Select); 10 bases into the intron after coding-DNA position 828, G replaced by A.
Molecular consequence: intron variant.
Genome position (GRCh38, 1-based): chr5:177,609,024, G>A. VCF-style: chr5-177609024-G-A. GRCh37 (hg19) VCF-style: chr5-177036025-G-A.
Identifiers: ClinVar variation 722111 (VCV000722111.11), dbSNP rs766078359, ClinGen allele CA3586696.

ClinVar aggregate classification (germline): Likely benign. Review status: criteria provided, multiple submitters, no conflicts (2 of 4 stars). 4 submissions from 4 submitters: Likely benign (4). Last evaluated 2026-01-31.

Conditions:
B4GALT7-related disorder. Also called: B4GALT7-related condition.
Spondylodysplastic Ehlers-Danlos syndrome. Identifiers: Orphanet 536471, Orphanet 75496, MedGen C5680154, MONDO:0007526.

Allele frequency attached by ClinVar (database versions not stated): ExAC 0.00003; gnomAD exomes 0.00004 and 0.00014; gnomAD 0.00009; TOPMed 0.00010.
gnomAD v4.1: 218 of 1,607,210 alleles (0.014%); highest among the groups gnomAD compares: Non-Finnish European, 0.017%; no homozygotes.

Submissions (4):

Labcorp Genetics (formerly Invitae), Labcorp
Classification: Likely benign for Spondylodysplastic Ehlers-Danlos syndrome. Last evaluated: 2026-01-31. Review status: criteria provided, single submitter. Criteria: Invitae Variant Classification Sherloc (09022015). Collection method: clinical testing. Allele origin: germline.

Women's Health and Genetics/Laboratory Corporation of America, LabCorp
Classification: Likely benign. Last evaluated: 2025-11-26. Review status: criteria provided, single submitter. Criteria: LabCorp Variant Classification Summary - May 2015. Collection method: clinical testing. Allele origin: germline.

PreventionGenetics, part of Exact Sciences
Classification: Likely benign for B4GALT7-related condition. Last evaluated: 2025-08-04. Review status: criteria provided, single submitter. Criteria: ACMG Guidelines, 2015. Collection method: clinical testing. Allele origin: germline.
Comment: This variant is classified as likely benign based on ACMG/AMP sequence variant interpretation guidelines (Richards et al. 2015 PMID: 25741868, with internal and published modifications).

Blueprint Genetics
Classification: Likely benign. Last evaluated: 2022-08-25. Review status: criteria provided, single submitter. Criteria: ACMG Guidelines, 2015. Collection method: clinical testing. Allele origin: germline.